The following is an entry in ClinVar:

NM_004385.5(VCAN):c.3013C>G (p.Leu1005Val)

Gene: VCAN (versican; plus strand). Cytogenetic location: 5q14.3.
Variant type: single nucleotide variant.
Coding change: c.3013C>G on transcript NM_004385.5 (MANE Select); coding-DNA position 3013, C replaced by G.
Protein change: p.Leu1005Val; replaces leucine 1005 with valine.
Molecular consequence: missense variant. On other transcripts: intron variant (2).
Genome position (GRCh38, 1-based): chr5:83,521,319, C>G. VCF-style: chr5-83521319-C-G. GRCh37 (hg19) VCF-style: chr5-82817138-C-G.
Other names: c.3013C>G, p.Leu1005Val (NM_001164098.2); c.1042+8923C>G (NM_001164097.2, NM_001126336.3); short protein forms L1005V.
Identifiers: ClinVar variation 1962372 (VCV001962372.5), dbSNP rs1746088709, ClinGen allele CA360305157.
Genomic context (GRCh38, chr5:83,521,319, plus strand): 5'-GTGTTAGTACCTTCTGTTCCATCAGAAGATGAAGTTCTAGGTGAACCCTCTCAAGACATA[C>G]TTGTCATTGATCAGACTCGCCTTGAAGCGACTATTTCTCCAGAAACTATGAGAACAACAA-3'
Protein context (NP_004376.2, residues 995-1015): EVLGEPSQDI[Leu1005Val]VIDQTRLEAT

ClinVar aggregate classification (germline): Uncertain significance (1 of 4 stars; one submission).

Submission:

Labcorp Genetics (formerly Invitae), Labcorp
Classification: Uncertain significance. Last evaluated: 2025-09-15. Review status: criteria provided, single submitter. Criteria: Invitae Variant Classification Sherloc (09022015). Collection method: clinical testing. Allele origin: germline.
Comment: This sequence change replaces leucine, which is neutral and non-polar, with valine, which is neutral and non-polar, at codon 1005 of the VCAN protein (p.Leu1005Val). This variant is not present in population databases (gnomAD no frequency). This variant has not been reported in the literature in individuals affected with VCAN-related conditions. ClinVar contains an entry for this variant (Variation ID: 1962372). An algorithm developed to predict the effect of missense changes on protein structure and function (PolyPhen-2) suggests that this variant is likely to be tolerated. In summary, the available evidence is currently insufficient to determine the role of this variant in disease. Therefore, it has been classified as a Variant of Uncertain Significance.